The following is an entry in ClinVar:

NM_001332.4(CTNND2):c.169G>T (p.Glu57Ter)

Gene: CTNND2 (catenin delta 2; minus strand). Cytogenetic location: 5p15.2.
Variant type: single nucleotide variant.
Coding change: c.169G>T on transcript NM_001332.4 (MANE Select); coding-DNA position 169, G replaced by T.
Protein change: p.Glu57Ter; replaces glutamic acid 57 with a stop codon.
Molecular consequence: nonsense. On other transcripts: 5 prime UTR variant (1), non-coding transcript variant (1).
Genome position (GRCh38, 1-based): chr5:11,732,141, C>A on the plus strand (G>T on the coding strand, the complement: CTNND2 is on the minus strand). VCF-style: chr5-11732141-C-A. GRCh37 (hg19) VCF-style: chr5-11732253-C-A.
Other names: c.-566G>T (NM_001288717.2); short protein forms E57*.
Identifiers: ClinVar variation 5043523 (VCV005043523.1).

ClinVar aggregate classification (germline): Likely pathogenic (1 of 4 stars; one submission).

Conditions:
Neurodevelopmental disorder. Identifiers: MedGen C1535926, MeSH D065886, MONDO:0700092.

Submission:

Genos
Classification: Likely pathogenic for Neurodevelopmental disorder. Last evaluated: 2026-10-08. Review status: criteria provided, single submitter. Criteria: ACMG Guidelines, 2015. Collection method: clinical testing. Allele origin: paternal. Inheritance: Autosomal dominant inheritance. Affected: yes.
Comment: The heterozygous CTNND2 variant NM_001332.4:c.169G>T, p.(Glu57Ter), introduces a premature termination codon and is predicted to trigger nonsense-mediated mRNA decay (NMD) of the affected full-length transcript. Shorter CTNND2 isoforms may remain unaffected. Heterozygous loss-of-function variants in CTNND2 have been associated with autosomal dominant neurodevelopmental disorders, particularly ADHD and behavioral abnormalities. Disruptions involving the early coding region, including an exon 2 deletion and an intron 2 translocation, have been reported in affected individuals (PMID: 33718894, 38604781). The variant is absent from gnomAD v4.1.0 and has not previously been reported in the literature. Based on the predicted loss-of-function effect, published gene–disease evidence, and absence from population databases, the variant was classified as likely pathogenic using ACMG/AMP criteria with ClinGen SVI recommendations (PVS1, PM2_Supporting).